The following is an entry in ClinVar:

NM_015474.4(SAMHD1):c.766C>A (p.Gln256Lys)

Gene: SAMHD1 (SAM and HD domain containing deoxynucleoside triphosphate triphosphohydrolase 1; minus strand). Cytogenetic location: 20q11.23.
Variant type: single nucleotide variant.
Coding change: c.766C>A on transcript NM_015474.4 (MANE Select); coding-DNA position 766, C replaced by A.
Protein change: p.Gln256Lys; replaces glutamine 256 with lysine.
Molecular consequence: missense variant.
Genome position (GRCh38, 1-based): chr20:36,919,450, G>T on the plus strand (C>A on the coding strand, the complement: SAMHD1 is on the minus strand). VCF-style: chr20-36919450-G-T. GRCh37 (hg19) VCF-style: chr20-35547853-G-T.
Other names: c.766C>A, p.Gln256Lys (NM_001363729.2, NM_001363733.2); short protein forms Q256K.
Identifiers: ClinVar variation 2166109 (VCV002166109.1), dbSNP rs775651203, ClinGen allele CA9844649.

ClinVar aggregate classification (germline): Uncertain significance (1 of 4 stars; one submission).

Conditions:
Aicardi-Goutieres syndrome 5. Identifiers: Orphanet 51, MedGen C2749659, MONDO:0013059, OMIM 612952.

Allele frequency attached by ClinVar (database versions not stated): gnomAD 0.00001; gnomAD exomes 0.00001; TOPMed 0.00001; ExAC 0.00002.
gnomAD v4.1: 12 of 1,612,980 alleles (0.00074%); highest among the groups gnomAD compares: East Asian, 0.02%; no homozygotes.

Submission:

Labcorp Genetics (formerly Invitae), Labcorp
Classification: Uncertain significance for Aicardi-Goutieres syndrome 5. Last evaluated: 2022-05-25. Review status: criteria provided, single submitter. Criteria: Invitae Variant Classification Sherloc (09022015). Collection method: clinical testing. Allele origin: germline.
Comment: This sequence change replaces glutamine, which is neutral and polar, with lysine, which is basic and polar, at codon 256 of the SAMHD1 protein (p.Gln256Lys). This variant is present in population databases (rs775651203, gnomAD 0.02%). This variant has not been reported in the literature in individuals affected with SAMHD1-related conditions. Algorithms developed to predict the effect of missense changes on protein structure and function output the following: SIFT: "Tolerated"; PolyPhen-2: "Benign"; Align-GVGD: "Class C0". The lysine amino acid residue is found in multiple mammalian species, which suggests that this missense change does not adversely affect protein function. In summary, the available evidence is currently insufficient to determine the role of this variant in disease. Therefore, it has been classified as a Variant of Uncertain Significance.